The following is an entry in ClinVar:

NM_144596.4(TTC8):c.1263G>C (p.Arg421Ser)

Gene: TTC8 (tetratricopeptide repeat domain 8; plus strand). Cytogenetic location: 14q31.3.
Variant type: single nucleotide variant.
Coding change: c.1263G>C on transcript NM_144596.4 (MANE Select); coding-DNA position 1263, G replaced by C.
Protein change: p.Arg421Ser; replaces arginine 421 with serine.
Molecular consequence: missense variant. On other transcripts: non-coding transcript variant (1).
Genome position (GRCh38, 1-based): chr14:88,872,368, G>C. VCF-style: chr14-88872368-G-C. GRCh37 (hg19) VCF-style: chr14-89338712-G-C.
Other names: c.1311G>C, p.Arg437Ser (NM_001288781.1); c.669G>C, p.Arg223Ser (NM_001288782.1); c.546G>C, p.Arg182Ser (NM_001288783.1); c.1233G>C, p.Arg411Ser (NM_001366535.2, NM_198309.3); c.1143G>C, p.Arg381Ser (NM_001366536.2, NM_198310.3); short protein forms R381S, R411S, R437S, R421S, R182S, R223S.
Identifiers: ClinVar variation 4980564 (VCV004980564.1).

ClinVar aggregate classification (germline): Uncertain significance (1 of 4 stars; one submission).

Conditions:
TTC8-related disorder. Also called: TTC8-related condition.

gnomAD v4.1: 2 of 1,613,898 alleles (0.00012%); highest among the groups gnomAD compares: Non-Finnish European, 0.00017%; no homozygotes.

Submission:

PreventionGenetics, part of Exact Sciences
Classification: Uncertain significance for TTC8-related condition. Last evaluated: 2026-08-26. Review status: criteria provided, single submitter. Criteria: ACMG Guidelines, 2015. Collection method: clinical testing. Allele origin: germline.
Comment: The TTC8 c.1263G>C variant is predicted to result in the amino acid substitution p.Arg421Ser. To our knowledge, this variant has not been reported in the literature or in a large population database, indicating this variant is rare. At this time, the clinical significance of this variant is uncertain due to the absence of conclusive functional and genetic evidence.